The following is an entry in ClinVar:

NM_001378457.1(DMXL2):c.1771G>A (p.Gly591Arg)

Gene: DMXL2 (Dmx like 2; minus strand). Cytogenetic location: 15q21.2.
Variant type: single nucleotide variant.
Coding change: c.1771G>A on transcript NM_001378457.1 (MANE Select); coding-DNA position 1771, G replaced by A.
Protein change: p.Gly591Arg; replaces glycine 591 with arginine.
Molecular consequence: missense variant. On other transcripts: non-coding transcript variant (2).
Genome position (GRCh38, 1-based): chr15:51,536,709, C>T on the plus strand (G>A on the coding strand, the complement: DMXL2 is on the minus strand). VCF-style: chr15-51536709-C-T. GRCh37 (hg19) VCF-style: chr15-51828906-C-T.
Other names: c.1771G>A, p.Gly591Arg (NM_001174116.3, NM_001174117.3, NM_001378458.1 and 6 more transcripts); c.1531G>A, p.Gly511Arg (NM_001378464.1); short protein forms G511R, G591R.
Identifiers: ClinVar variation 2419475 (VCV002419475.3), dbSNP rs200318090, ClinGen allele CA7562509.

ClinVar aggregate classification (germline): Uncertain significance (1 of 4 stars; one submission).

Allele frequency attached by ClinVar (database versions not stated): gnomAD exomes 0.00004; TOPMed 0.00004; ExAC 0.00005; gnomAD 0.00006; 1000 Genomes Project 30x 0.00016; 1000 Genomes Project 0.00020.
gnomAD v4.1: 67 of 1,613,924 alleles (0.0042%); highest among the groups gnomAD compares: East Asian, 0.053%; no homozygotes.

Submission:

Labcorp Genetics (formerly Invitae), Labcorp
Classification: Uncertain significance. Last evaluated: 2022-02-21. Review status: criteria provided, single submitter. Criteria: Invitae Variant Classification Sherloc (09022015). Collection method: clinical testing. Allele origin: germline.
Comment: This sequence change replaces glycine, which is neutral and non-polar, with arginine, which is basic and polar, at codon 591 of the DMXL2 protein (p.Gly591Arg). This variant is present in population databases (rs200318090, gnomAD 0.02%). This variant has not been reported in the literature in individuals affected with DMXL2-related conditions. Algorithms developed to predict the effect of missense changes on protein structure and function output the following: SIFT: "Tolerated"; PolyPhen-2: "Benign"; Align-GVGD: "Class C0". The arginine amino acid residue is found in multiple mammalian species, which suggests that this missense change does not adversely affect protein function. In summary, the available evidence is currently insufficient to determine the role of this variant in disease. Therefore, it has been classified as a Variant of Uncertain Significance.